The following is an entry in ClinVar:

ClinVar aggregate classification (germline): Uncertain significance. Review status: criteria provided, multiple submitters, no conflicts (2 of 4 stars). 5 submissions from 5 submitters: Uncertain significance (5). Last evaluated 2025-12-20.

Conditions:
Hereditary cancer-predisposing syndrome. Also called: Neoplastic Syndromes, Hereditary; Hereditary neoplastic syndrome; Tumor predisposition; Hereditary Cancer Syndrome. Identifiers: Orphanet 140162, MedGen C0027672, MeSH D009386, MONDO:0015356.
POLD1-related polyposis and colorectal cancer syndrome (CRCS10). Also called: Colorectal cancer 10; COLORECTAL CANCER, SUSCEPTIBILITY TO, ON CHROMOSOME 19q; Colorectal cancer, susceptibility to, 10. Identifiers: Orphanet 220460, MedGen C2675481, MONDO:0012953, OMIM 612591.

Allele frequency attached by ClinVar (database versions not stated): ExAC 0.00001; gnomAD exomes 0.00002.

Submissions (5):

Labcorp Genetics (formerly Invitae), Labcorp
Classification: Uncertain significance for POLD1-related polyposis and colorectal cancer syndrome. Last evaluated: 2025-12-20. Review status: criteria provided, single submitter. Criteria: Invitae Variant Classification Sherloc (09022015). Collection method: clinical testing. Allele origin: germline.
Comment: This sequence change replaces glutamic acid, which is acidic and polar, with lysine, which is basic and polar, at codon 588 of the POLD1 protein (p.Glu588Lys). This variant is present in population databases (rs746649739, gnomAD 0.01%). This variant has not been reported in the literature in individuals affected with POLD1-related conditions. ClinVar contains an entry for this variant (Variation ID: 420769). Invitae Evidence Modeling of protein sequence and biophysical properties (such as structural, functional, and spatial information, amino acid conservation, physicochemical variation, residue mobility, and thermodynamic stability) indicates that this missense variant is not expected to disrupt POLD1 protein function with a negative predictive value of 80%. In summary, the available evidence is currently insufficient to determine the role of this variant in disease. Therefore, it has been classified as a Variant of Uncertain Significance.

Ambry Genetics
Classification: Uncertain significance for Hereditary cancer-predisposing syndrome. Last evaluated: 2024-04-28. Review status: criteria provided, single submitter. Criteria: Ambry Variant Classification Scheme 2023. Collection method: clinical testing. Allele origin: germline.
Comment: The p.E588K variant (also known as c.1762G>A), located in coding exon 13 of the POLD1 gene, results from a G to A substitution at nucleotide position 1762. The glutamic acid at codon 588 is replaced by lysine, an amino acid with similar properties. This amino acid position is conserved. In addition, this alteration is predicted to be deleterious by in silico analysis. Since supporting evidence is limited at this time, the clinical significance of this alteration remains unclear.

St. Jude Molecular Pathology, St. Jude Children's Research Hospital
Classification: Uncertain significance for POLD1-related polyposis and colorectal cancer syndrome. Last evaluated: 2023-12-14. Review status: criteria provided, single submitter. Criteria: St. Jude Assertion Criteria 2020. Collection method: clinical testing. Allele origin: germline.
Comment: The POLD1 c.1762G>A (p.Glu588Lys) missense change has a maximum subpopulation frequency of 0.009% in gnomAD v2.1.1. The in silico tool REVEL is inconclusive about a pathogenic or benign effect of this variant on protein function, and to our knowledge functional studies have not been performed. To our knowledge, this variant has not been reported in the literature in individuals with POLD1-related disease. In summary, the evidence currently available is insufficient to determine the clinical significance of this variant. It has therefore been classified as of uncertain significance.

GeneDx
Classification: Uncertain significance. Last evaluated: 2018-12-05. Review status: criteria provided, single submitter. Criteria: GeneDx Variant Classification (06012015). Collection method: clinical testing. Allele origin: germline. Affected: yes.
Comment: This variant is denoted POLD1 c.1762G>A at the cDNA level, p.Glu588Lys (E588K) at the protein level, and results in the change of a Glutamic Acid to a Lysine (GAG>AAG). This variant has not, to our knowledge, been published in the literature as a pathogenic or benign germline variant. POLD1 Glu588Lys was not observed at a significant allele frequency in large population cohorts (Lek 2016). This variant is located in the polymerase domain and the Pol II/Motif A (Preston 2010). In silico analysis, which includes protein predictors and evolutionary conservation, supports a deleterious effect. Based on currently available evidence, it is unclear whether POLD1 Glu588Lys is a pathogenic or benign variant. We consider it to be a variant of uncertain significance.

Quest Diagnostics Nichols Institute San Juan Capistrano
Classification: Uncertain significance. Last evaluated: 2018-04-13. Review status: criteria provided, single submitter. Criteria: Quest Diagnostics criteria. Collection method: clinical testing. Allele origin: germline.

NM_002691.4(POLD1):c.1762G>A (p.Glu588Lys)

Gene: POLD1 (DNA polymerase delta 1, catalytic subunit; plus strand). Cytogenetic location: 19q13.33.
Variant type: single nucleotide variant.
Coding change: c.1762G>A on transcript NM_002691.4 (MANE Select); coding-DNA position 1762, G replaced by A.
Protein change: p.Glu588Lys; replaces glutamic acid 588 with lysine.
Molecular consequence: missense variant. On other transcripts: non-coding transcript variant (1).
Genome position (GRCh38, 1-based): chr19:50,407,402, G>A. VCF-style: chr19-50407402-G-A. GRCh37 (hg19) VCF-style: chr19-50910659-G-A.
Other names: c.1762G>A, p.Glu588Lys (NM_001256849.1, NM_001308632.1); short protein forms E588K.
Identifiers: ClinVar variation 420769 (VCV000420769.19), dbSNP rs746649739, ClinGen allele CA9596249.